The following is an entry in ClinVar:

ClinVar aggregate classification (germline): Uncertain significance (1 of 4 stars; one submission).

Submission:

Ambry Genetics
Classification: Uncertain significance. Last evaluated: 2022-06-28. Review status: criteria provided, single submitter. Criteria: Ambry Variant Classification Scheme 2023. Collection method: clinical testing. Allele origin: germline.
Comment: The p.K829R variant (also known as c.2486A>G), located in coding exon 1 of the MLH3 gene, results from an A to G substitution at nucleotide position 2486. The lysine at codon 829 is replaced by arginine, an amino acid with highly similar properties. This amino acid position is conserved. In addition, this alteration is predicted to be tolerated by in silico analysis. Since supporting evidence is limited at this time, the clinical significance of this alteration remains unclear.

NM_001040108.2(MLH3):c.2486A>G (p.Lys829Arg)

Gene: MLH3 (mutL homolog 3; minus strand). Cytogenetic location: 14q24.3.
Variant type: single nucleotide variant.
Coding change: c.2486A>G on transcript NM_001040108.2 (MANE Select); coding-DNA position 2486, A replaced by G.
Protein change: p.Lys829Arg; replaces lysine 829 with arginine.
Molecular consequence: missense variant.
Genome position (GRCh38, 1-based): chr14:75,047,170, T>C on the plus strand (A>G on the coding strand, the complement: MLH3 is on the minus strand). VCF-style: chr14-75047170-T-C. GRCh37 (hg19) VCF-style: chr14-75513873-T-C.
Other names: c.2486A>G, p.Lys829Arg (NM_014381.3); short protein forms K829R.
Identifiers: ClinVar variation 1791986 (VCV001791986.2), dbSNP rs2503269078, ClinGen allele CA390440224.